The following is an entry in ClinVar:

NM_000321.3(RB1):c.479C>T (p.Ala160Val)

Gene: RB1 (RB transcriptional corepressor 1; plus strand). Cytogenetic location: 13q14.2.
Variant type: single nucleotide variant.
Coding change: c.479C>T on transcript NM_000321.3 (MANE Select); coding-DNA position 479, C replaced by T.
Protein change: p.Ala160Val; replaces alanine 160 with valine.
Molecular consequence: missense variant.
Genome position (GRCh38, 1-based): chr13:48,345,178, C>T. VCF-style: chr13-48345178-C-T. GRCh37 (hg19) VCF-style: chr13-48919314-C-T.
Other names: c.479C>T (NM_000321.2); short protein forms A160V.
Identifiers: ClinVar variation 1016018 (VCV001016018.8), dbSNP rs1952481610, ClinGen allele CA388252816.

ClinVar aggregate classification (germline): Uncertain significance. Review status: criteria provided, multiple submitters, no conflicts (2 of 4 stars). 2 submissions from 2 submitters: Uncertain significance (2). Last evaluated 2025-09-24.

Conditions:
Hereditary cancer-predisposing syndrome. Also called: Hereditary Cancer Syndrome; Tumor predisposition; Neoplastic Syndromes, Hereditary; Hereditary neoplastic syndrome. Identifiers: Orphanet 140162, MedGen C0027672, MeSH D009386, MONDO:0015356.
Retinoblastoma (RB1). Also called: RETINOBLASTOMA, SOMATIC. Identifiers: Orphanet 790, MedGen C0035335, MeSH D012175, MONDO:0008380, OMIM 180200, HP:0009919. Disease mechanism: loss of function. Inheritance: Both sporadic and heritable forms are tested..

Submissions (2):

Ambry Genetics
Classification: Uncertain significance for Hereditary cancer-predisposing syndrome. Last evaluated: 2025-09-24. Review status: criteria provided, single submitter. Criteria: Ambry Variant Classification Scheme 2023. Collection method: clinical testing. Allele origin: germline.
Comment: The p.A160V variant (also known as c.479C>T), located in coding exon 4 of the RB1 gene, results from a C to T substitution at nucleotide position 479. The alanine at codon 160 is replaced by valine, an amino acid with similar properties. This amino acid position is highly conserved in available vertebrate species. In addition, this alteration is predicted to be tolerated by in silico analysis. Based on the available evidence, the clinical significance of this variant remains unclear.

Labcorp Genetics (formerly Invitae), Labcorp
Classification: Uncertain significance for Retinoblastoma. Last evaluated: 2023-09-10. Review status: criteria provided, single submitter. Criteria: Invitae Variant Classification Sherloc (09022015). Collection method: clinical testing. Allele origin: germline.
Comment: In summary, the available evidence is currently insufficient to determine the role of this variant in disease. Therefore, it has been classified as a Variant of Uncertain Significance. Advanced modeling of protein sequence and biophysical properties (such as structural, functional, and spatial information, amino acid conservation, physicochemical variation, residue mobility, and thermodynamic stability) performed at Invitae indicates that this missense variant is not expected to disrupt RB1 protein function. ClinVar contains an entry for this variant (Variation ID: 1016018). This sequence change replaces alanine, which is neutral and non-polar, with valine, which is neutral and non-polar, at codon 160 of the RB1 protein (p.Ala160Val). This variant is not present in population databases (gnomAD no frequency). This variant has not been reported in the literature in individuals affected with RB1-related conditions.